The following is an entry in ClinVar:

NM_001354768.3(NRL):c.604C>T (p.Arg202Trp)

Genes: NRL (neural retina leucine zipper; minus strand), LOC130055387 (ATAC-STARR-seq lymphoblastoid silent region 5620; plus strand). Cytogenetic location: 14q11.2.
Variant type: single nucleotide variant.
Coding change: c.604C>T on transcript NM_001354768.3 (MANE Select); coding-DNA position 604, C replaced by T.
Protein change: p.Arg202Trp; replaces arginine 202 with tryptophan.
Molecular consequence: missense variant.
Genome position (GRCh38, 1-based): chr14:24,081,346, G>A on the plus strand (C>T on the coding strand, the complement: NRL is on the minus strand). VCF-style: chr14-24081346-G-A. GRCh37 (hg19) VCF-style: chr14-24550555-G-A.
Other names: c.604C>T, p.Arg202Trp (NM_001354769.1, NM_006177.5); c.289C>T, p.Arg97Trp (NM_001354770.2); short protein forms R202W, R97W.
Identifiers: ClinVar variation 1466827 (VCV001466827.7), dbSNP rs1350116482, ClinGen allele CA389277023.

ClinVar aggregate classification (germline): Uncertain significance. Review status: criteria provided, multiple submitters, no conflicts (2 of 4 stars). 2 submissions from 2 submitters: Uncertain significance (2). Last evaluated 2024-07-30.

Allele frequency attached by ClinVar (database versions not stated): gnomAD 0.00001; TOPMed 0.00002; gnomAD exomes 0.00003; 1000 Genomes Project 30x 0.00016.

Submissions (2):

Blueprint Genetics
Classification: Uncertain significance. Last evaluated: 2024-07-30. Review status: criteria provided, single submitter. Criteria: ACMG Guidelines, 2015. Collection method: clinical testing. Allele origin: germline.

Labcorp Genetics (formerly Invitae), Labcorp
Classification: Uncertain significance. Last evaluated: 2021-08-09. Review status: criteria provided, single submitter. Criteria: Invitae Variant Classification Sherloc (09022015). Collection method: clinical testing. Allele origin: germline.
Comment: The frequency data for this variant in the population databases is considered unreliable, as metrics indicate insufficient coverage at this position in the ExAC database. This sequence change replaces arginine with tryptophan at codon 202 of the NRL protein (p.Arg202Trp). The arginine residue is moderately conserved and there is a moderate physicochemical difference between arginine and tryptophan. This variant has not been reported in the literature in individuals affected with NRL-related conditions. Algorithms developed to predict the effect of missense changes on protein structure and function are either unavailable or do not agree on the potential impact of this missense change (SIFT: "Tolerated"; PolyPhen-2: "Probably Damaging"; Align-GVGD: "Class C0"). In summary, the available evidence is currently insufficient to determine the role of this variant in disease. Therefore, it has been classified as a Variant of Uncertain Significance.